The following is an entry in ClinVar:

NM_000466.3(PEX1):c.1070A>C (p.Lys357Thr)

Gene: PEX1 (peroxisomal biogenesis factor 1; minus strand). Cytogenetic location: 7q21.2.
Variant type: single nucleotide variant.
Coding change: c.1070A>C on transcript NM_000466.3 (MANE Select); coding-DNA position 1070, A replaced by C.
Protein change: p.Lys357Thr; replaces lysine 357 with threonine.
Molecular consequence: missense variant.
Genome position (GRCh38, 1-based): chr7:92,517,445, T>G on the plus strand (A>C on the coding strand, the complement: PEX1 is on the minus strand). VCF-style: chr7-92517445-T-G. GRCh37 (hg19) VCF-style: chr7-92146759-T-G.
Other names: c.1070A>C, p.Lys357Thr (NM_001282677.2); c.446A>C, p.Lys149Thr (NM_001282678.2); short protein forms K149T, K357T.
Identifiers: ClinVar variation 1185720 (VCV001185720.2), dbSNP rs2116243553, ClinGen allele CA368198271.
Genomic context (GRCh38, chr7:92,517,445, plus strand): 5'-TCTTCATTATGATCTGACCTAATTTTTTTTTGATCTAGTGGCTCTGACATCTGCTTCTCT[T>G]TTTCAGGTGATAACACATTTTGTTTTGTTTTACTTTGCTGTTGCTTTGGAGAAAGTAGCT-3'
Protein context (NP_000457.1, residues 347-367): KTKQNVLSPE[Lys357Thr]EKQMSEPLDQ

ClinVar aggregate classification (germline): Uncertain significance (1 of 4 stars; one submission).

Submission:

GeneDx
Classification: Uncertain significance. Last evaluated: 2020-01-27. Review status: criteria provided, single submitter. Criteria: GeneDx Variant Classification Process June 2021. Collection method: clinical testing. Allele origin: germline. Affected: yes.
Comment: Not observed in large population cohorts (Lek et al., 2016); In silico analysis, which includes protein predictors and evolutionary conservation, supports that this variant does not alter protein structure/function; Has not been previously published as pathogenic or benign to our knowledge